The following is an entry in ClinVar:

NM_205861.3(DHDDS):c.281T>C (p.Met94Thr)

Gene: DHDDS (dehydrodolichyl diphosphate synthase subunit; plus strand). Cytogenetic location: 1p36.11.
Variant type: single nucleotide variant.
Coding change: c.281T>C on transcript NM_205861.3 (MANE Select); coding-DNA position 281, T replaced by C.
Protein change: p.Met94Thr; replaces methionine 94 with threonine.
Molecular consequence: missense variant. On other transcripts: initiator codon variant (1).
Genome position (GRCh38, 1-based): chr1:26,442,831, T>C. VCF-style: chr1-26442831-T-C. GRCh37 (hg19) VCF-style: chr1-26769322-T-C.
Other names: c.281T>C, p.Met94Thr (NM_001243564.2, NM_001243565.2, NM_024887.4); c.2T>C, p.Met1Thr (NM_001319959.2); short protein forms M94T, M1T.
Identifiers: ClinVar variation 4744509 (VCV004744509.1).
Genomic context (GRCh38, chr1:26,442,831, plus strand): 5'-CAGTCTACGCATTCAGCATTGAGAACTTCAAACGCTCCAAGAGTGAGGTAGACGGGCTTA[T>C]GGATCTGGCCCGGCAGAAGTTCAGCCGCTTGATGGAAGAAAAGTAAGATGCTATCAGAGG-3'
Protein context (NP_995583.1, residues 84-104): KRSKSEVDGL[Met94Thr]DLARQKFSRL

ClinVar aggregate classification (germline): Uncertain significance (1 of 4 stars; one submission).

Conditions:
Retinitis pigmentosa 59 (RP59). Identifiers: Orphanet 791, MedGen C3151227, MONDO:0013468, OMIM 613861.

Submission:

Labcorp Genetics (formerly Invitae), Labcorp
Classification: Uncertain significance for Retinitis pigmentosa 59. Last evaluated: 2025-05-07. Review status: criteria provided, single submitter. Criteria: Invitae Variant Classification Sherloc (09022015). Collection method: clinical testing. Allele origin: germline.
Comment: This sequence change replaces methionine, which is neutral and non-polar, with threonine, which is neutral and polar, at codon 94 of the DHDDS protein (p.Met94Thr). This variant is not present in population databases (gnomAD no frequency). This variant has not been reported in the literature in individuals affected with DHDDS-related conditions. Invitae Evidence Modeling of protein sequence and biophysical properties (such as structural, functional, and spatial information, amino acid conservation, physicochemical variation, residue mobility, and thermodynamic stability) indicates that this missense variant is not expected to disrupt DHDDS protein function with a negative predictive value of 80%. In summary, the available evidence is currently insufficient to determine the role of this variant in disease. Therefore, it has been classified as a Variant of Uncertain Significance.